The following is an entry in ClinVar:

ClinVar aggregate classification (germline): Uncertain significance. Review status: criteria provided, multiple submitters, no conflicts (2 of 4 stars). 2 submissions from 2 submitters: Uncertain significance (2). Last evaluated 2025-04-28.

Conditions:
Autosomal recessive severe congenital neutropenia due to JAGN1 deficiency. Also called: Severe congenital neutropenia 6, autosomal recessive. Identifiers: Orphanet 423384, MedGen C4014954, MONDO:0014456, OMIM 616022.

Allele frequency attached by ClinVar (database versions not stated): gnomAD 0.00001; TOPMed 0.00001.
gnomAD v4.1: 16 of 1,614,010 alleles (0.00099%); highest among the groups gnomAD compares: African/African-American, 0.008%; no homozygotes.

Submissions (2):

Labcorp Genetics (formerly Invitae), Labcorp
Classification: Uncertain significance for Autosomal recessive severe congenital neutropenia due to JAGN1 deficiency. Last evaluated: 2025-04-28. Review status: criteria provided, single submitter. Criteria: Invitae Variant Classification Sherloc (09022015). Collection method: clinical testing. Allele origin: germline.
Comment: This sequence change replaces tyrosine, which is neutral and polar, with cysteine, which is neutral and slightly polar, at codon 130 of the JAGN1 protein (p.Tyr130Cys). This variant is present in population databases (no rsID available, gnomAD 0.004%). This variant has not been reported in the literature in individuals affected with JAGN1-related conditions. ClinVar contains an entry for this variant (Variation ID: 1366171). An algorithm developed to predict the effect of missense changes on protein structure and function (PolyPhen-2) suggests that this variant is likely to be tolerated. In summary, the available evidence is currently insufficient to determine the role of this variant in disease. Therefore, it has been classified as a Variant of Uncertain Significance.

Blueprint Genetics
Classification: Uncertain significance. Last evaluated: 2024-01-15. Review status: criteria provided, single submitter. Criteria: ACMG Guidelines, 2015. Collection method: clinical testing. Allele origin: germline.

NM_032492.4(JAGN1):c.389A>G (p.Tyr130Cys)

Gene: JAGN1 (jagunal vesicle mediated transporter 1; plus strand). Cytogenetic location: 3p25.3.
Variant type: single nucleotide variant.
Coding change: c.389A>G on transcript NM_032492.4 (MANE Select); coding-DNA position 389, A replaced by G.
Protein change: p.Tyr130Cys; replaces tyrosine 130 with cysteine.
Molecular consequence: missense variant.
Genome position (GRCh38, 1-based): chr3:9,893,214, A>G. VCF-style: chr3-9893214-A-G. GRCh37 (hg19) VCF-style: chr3-9934898-A-G.
Other names: c.227A>G, p.Tyr76Cys (NM_001363890.1); short protein forms Y130C, Y76C.
Identifiers: ClinVar variation 1366171 (VCV001366171.7), dbSNP rs779485881, ClinGen allele CA351716336.